The following is an entry in ClinVar:

NM_001126108.2(SLC12A3):c.2221G>A (p.Gly741Arg)

Gene: SLC12A3 (solute carrier family 12 member 3; plus strand). Cytogenetic location: 16q13.
Variant type: single nucleotide variant.
Coding change: c.2221G>A on transcript NM_001126108.2 (MANE Select); coding-DNA position 2221, G replaced by A.
Protein change: p.Gly741Arg; replaces glycine 741 with arginine.
Molecular consequence: missense variant.
Genome position (GRCh38, 1-based): chr16:56,887,967, G>A. VCF-style: chr16-56887967-G-A. GRCh37 (hg19) VCF-style: chr16-56921879-G-A.
Other names: c.2221G>A, p.Gly741Arg (NM_000339.3); c.2218G>A, p.Gly740Arg (NM_001126107.2); c.2221G>A (NM_001126108.1); short protein forms G741R, G740R.
Identifiers: ClinVar variation 208612 (VCV000208612.101), dbSNP rs138977195, ClinGen allele CA204579.

ClinVar aggregate classification (germline): Pathogenic/Likely pathogenic. Review status: criteria provided, multiple submitters, no conflicts (2 of 4 stars). 31 submissions from 31 submitters: Pathogenic (26); Likely pathogenic (1). 4 of the submissions do not count toward it. Last evaluated 2026-09-13.

Conditions:
SLC12A3-related disorder. Also called: SLC12A3-related condition.
Familial hypokalemia-hypomagnesemia (GTLMNS). Also called: POTASSIUM AND MAGNESIUM DEPLETION; gitelman syndrome; HYPOMAGNESEMIA-HYPOKALEMIA, PRIMARY RENOTUBULAR, WITH HYPOCALCIURIA. Identifiers: Orphanet 358, MedGen C0268450, MONDO:0009904, OMIM 263800.
Bartter syndrome. Identifiers: Orphanet 112, MedGen C0004775, MONDO:0015231.
Inherited renal tubular disease. Identifiers: Orphanet 183592, MedGen C5680544, MONDO:0015962.
Renal tubulopathies.
Hypokalemia. Identifiers: MedGen C0020621, HP:0002900.
Hypermagnesemia. Identifiers: MedGen C1522135, HP:0002918.
Myalgia. Identifiers: MedGen C0231528, HP:0003326.
Muscle weakness. Identifiers: MedGen C0151786, HP:0001324.

Allele frequency attached by ClinVar (database versions not stated): 1000 Genomes Project 30x 0.00031; gnomAD exomes 0.00037 and 0.00082; ESP Exome Variant Server 0.00038; TOPMed 0.00039; 1000 Genomes Project 0.00040; ExAC 0.00040; gnomAD 0.00041.
gnomAD v4.1: 1,233 of 1,612,942 alleles (0.076%); highest among the groups gnomAD compares: Non-Finnish European, 0.1%; no homozygotes.

Submissions 1 to 11 of 31:

Genetics Laboratory, Great Ormond Street Hospital NHS Foundation Trust, North Thames Genomic Laboratory Hub
Classification: Pathogenic for Renal tubulopathies. Last evaluated: 2026-09-13. Review status: criteria provided, single submitter. Criteria: ACGS Best Practice Guidelines for Variant Classification in Rare Disease 2024 v1.2. Collection method: clinical testing. Allele origin: germline. Affected: yes.
Comment: PP3_supporting, PS3_moderate, PM3_very-strong

PreventionGenetics, part of Exact Sciences
Classification: Pathogenic for SLC12A3-related condition. Last evaluated: 2026-07-15. Review status: criteria provided, single submitter. Criteria: ACMG Guidelines, 2015. Collection method: clinical testing. Allele origin: germline.
Comment: The SLC12A3 c.2221G>A variant is predicted to result in the amino acid substitution p.Gly741Arg. This variant has been reported in many unrelated individuals to be pathogenic for Gitelman syndrome (see for example: Simon et al. 1996. PubMed ID: 8528245; De Jong et al. 2002. PubMed ID: 12039972; Supp. Table 1 in Fujimura et al. 2018. PubMed ID: 30596175; Supp. Table S1 in Hureaux et al. 2019. PubMed ID: 31672324; Zacchia et al. 2021. PubMed ID: 33964006). Functional studies indicate that the p.Gly741Arg change impacts protein function (De Jong et al. 2002. PubMed ID: 12039972). This variant is reported in 0.068% of alleles in individuals of European (non-Finnish) descent in gnomAD. This variant is interpreted as pathogenic.

Victorian Clinical Genetics Services, Murdoch Childrens Research Institute
Classification: Pathogenic for Familial hypokalemia-hypomagnesemia. Last evaluated: 2026-04-23. Review status: criteria provided, single submitter. Criteria: ACMG Guidelines, 2015. Collection method: clinical testing. Allele origin: germline. Affected: yes.
Comment: This variant is classified as Pathogenic. Evidence in support of pathogenic classification: Variant is present in gnomAD (v4) <0.01 for a recessive condition (1233 heterozygotes, 0 homozygotes); This variant has strong previous evidence of pathogenicity in unrelated individuals. This variant has been classified as pathogenic by at least fifteen clinical diagnostic laboratories and has been reported as one of the five most frequent pathogenic missense variants associated with Gitelman syndrome in Caucasians (ClinVar; PMID: 35591852); Missense variant consistently predicted to be damaging by multiple in silico tools and highly conserved with a major amino acid change. Additional information: Variant is predicted to result in a missense amino acid change from Gly to Arg; This variant is heterozygous; This gene is associated with autosomal recessive disease; Alternative amino acid change(s) at the same position are present in gnomAD (highest allele count: v4: 3 heterozygotes, 0 homozygotes; Variant is located in the annotated SLC12 family domain (DECIPHER); Loss of function is a known mechanism of disease in this gene and is associated with Gitelman syndrome (MIM#263800); Inheritance information for this variant is not currently available in this individual.

Natera, Inc.
Classification: Pathogenic for Gitelman syndrome. Last evaluated: 2025-11-13. Review status: criteria provided, single submitter. Criteria: Natera Variant Classification Schema (03/2026). Collection method: clinical testing. Allele origin: germline.
Comment: The c.2221G>A variant in SLC12A3 is a missense variant predicted to cause substitution of glycine to arginine at amino acid 741. This variant is rare in the general population with a frequency below the threshold expected for the associated phenotype(s). This variant has been observed in one or more individuals affected with the associated recessive disease, as either homozygous or compound heterozygous with a second variant (PMID: 29398133). Computational prediction algorithms indicate this variant is likely to affect gene or protein function. Given the available evidence, this variant is classified as Pathogenic.

Nephrology, University of Crete, University General Hospital of Heraklion
Classification: Pathogenic for Familial hypokalemia-hypomagnesemia. Last evaluated: 2025-11-05. Review status: criteria provided, single submitter. Criteria: ACMG Guidelines, 2015. Collection method: clinical testing. Allele origin: unknown. Affected: yes.

Labcorp Genetics (formerly Invitae), Labcorp
Classification: Pathogenic. Last evaluated: 2025-10-13. Review status: criteria provided, single submitter. Criteria: Invitae Variant Classification Sherloc (09022015). Collection method: clinical testing. Allele origin: germline.
Comment: This sequence change replaces glycine, which is neutral and non-polar, with arginine, which is basic and polar, at codon 741 of the SLC12A3 protein (p.Gly741Arg). This variant is present in population databases (rs138977195, gnomAD 0.07%). This missense change has been observed in individual(s) with Gitelman syndrome (PMID: 8528245, 17329572, 18391953, 21415153, 22009145, 23328711). In at least one individual the data is consistent with being in trans (on the opposite chromosome) from a pathogenic variant. It has also been observed to segregate with disease in related individuals. ClinVar contains an entry for this variant (Variation ID: 208612). Invitae Evidence Modeling of protein sequence and biophysical properties (such as structural, functional, and spatial information, amino acid conservation, physicochemical variation, residue mobility, and thermodynamic stability) indicates that this missense variant is expected to disrupt SLC12A3 protein function with a positive predictive value of 95%. Experimental studies have shown that this missense change affects SLC12A3 function (PMID: 12039972). For these reasons, this variant has been classified as Pathogenic.

Mayo Clinic Laboratories, Mayo Clinic
Classification: Pathogenic. Last evaluated: 2025-09-08. Review status: criteria provided, single submitter. Criteria: ACMG Guidelines, 2015. Collection method: clinical testing. Allele origin: germline. Observed: 2 variant alleles.
Comment: PP3, PM3_very_strong, PS3_supporting, PS4

3billion
Classification: Pathogenic for Familial hypokalemia-hypomagnesemia. Last evaluated: 2025-02-14. Review status: criteria provided, single submitter. Criteria: ACMG Guidelines, 2015. Collection method: clinical testing. Allele origin: germline. Affected: yes.
Comment: The variant is observed at an extremely low frequency in the gnomAD v4.1.0 dataset (total allele frequency: 0.076%). Predicted Consequence/Location: Missense variant Functional studies provide strong evidence of the variant having a damaging effect on the gene or gene product (PMID: 12039972). In silico tool predictions suggest damaging effect of the variant on gene or gene product [REVEL: 0.85 (>=0.6, sensitivity 0.68 and specificity 0.92); 3Cnet: 0.99 (>=0.6, sensitivity 0.72 and precision 0.9)]. The same nucleotide change resulting in the same amino acid change has been previously reported as pathogenic/likely pathogenic with strong evidence (ClinVar ID: VCV000208612 /PMID: 8528245). Therefore, this variant is classified as Pathogenic according to the recommendation of ACMG/AMP guideline.

Women's Health and Genetics/Laboratory Corporation of America, LabCorp
Classification: Pathogenic for Familial hypokalemia-hypomagnesemia. Last evaluated: 2025-02-10. Review status: criteria provided, single submitter. Criteria: LabCorp Variant Classification Summary - May 2015. Collection method: clinical testing. Allele origin: germline.
Comment: Variant summary: SLC12A3 c.2221G>A (p.Gly741Arg) results in a non-conservative amino acid change in the encoded protein sequence. Five of five in-silico tools predict a damaging effect of the variant on protein function. The variant allele was found at a frequency of 0.00037 in 251298 control chromosomes. This frequency is not significantly higher than estimated for a pathogenic variant in SLC12A3 causing Familial Hypokalemia-Hypomagnesemia, allowing no conclusion about variant significance. c.2221G>A has been reported in the literature in multiple individuals affected with Familial Hypokalemia-Hypomagnesemia (example: Ashton_2018). These data indicate that the variant is very likely to be associated with disease. The following publication has been ascertained in the context of this evaluation (PMID: 29398133). ClinVar contains an entry for this variant (Variation ID: 208612). Based on the evidence outlined above, the variant was classified as pathogenic.

Blueprint Genetics
Classification: Pathogenic for SLC12A3-related disorders. Last evaluated: 2024-11-15. Review status: criteria provided, single submitter. Criteria: ACMG Guidelines, 2015. Collection method: clinical testing. Allele origin: germline. Affected: yes. Observed: 5 variant alleles.

Athena Diagnostics
Classification: Pathogenic. Last evaluated: 2024-01-11. Review status: criteria provided, single submitter. Criteria: Athena Diagnostics Criteria. Collection method: clinical testing. Allele origin: unknown.
Comment: The frequency of this variant in the general population is consistent with pathogenicity. Assessment of experimental evidence suggests this variant results in abnormal protein function. (PMID: 12039972) In multiple individuals, this variant has been seen with a single recessive pathogenic variant in the same gene, suggesting this variant may also be pathogenic.